The following is an entry in ClinVar:

ClinVar aggregate classification (germline): Uncertain significance. Review status: criteria provided, multiple submitters, no conflicts (2 of 4 stars). 2 submissions from 2 submitters: Uncertain significance (2). Last evaluated 2022-08-03.

Conditions:
Primary ciliary dyskinesia. Also called: Ciliary dyskinesia. Identifiers: Orphanet 244, MedGen C0008780, MONDO:0016575, HP:0012265.

Allele frequency attached by ClinVar (database versions not stated): ExAC 0.00001; gnomAD exomes 0.00001; TOPMed 0.00001.
gnomAD v4.1: 16 of 1,614,160 alleles (0.00099%); highest among the groups gnomAD compares: Middle Eastern, 0.016%; no homozygotes.

Submissions (2):

Blueprint Genetics
Classification: Uncertain significance. Last evaluated: 2022-08-03. Review status: criteria provided, single submitter. Criteria: ACMG Guidelines, 2015. Collection method: clinical testing. Allele origin: germline.

Labcorp Genetics (formerly Invitae), Labcorp
Classification: Uncertain significance for Primary ciliary dyskinesia. Last evaluated: 2022-03-29. Review status: criteria provided, single submitter. Criteria: Invitae Variant Classification Sherloc (09022015). Collection method: clinical testing. Allele origin: germline.
Comment: This sequence change replaces lysine, which is basic and polar, with arginine, which is basic and polar, at codon 227 of the DNAI2 protein (p.Lys227Arg). This variant is present in population databases (rs759166271, gnomAD 0.009%). This variant has not been reported in the literature in individuals affected with DNAI2-related conditions. Algorithms developed to predict the effect of missense changes on protein structure and function are either unavailable or do not agree on the potential impact of this missense change (SIFT: "Deleterious"; PolyPhen-2: "Benign"; Align-GVGD: "Class C0"). In summary, the available evidence is currently insufficient to determine the role of this variant in disease. Therefore, it has been classified as a Variant of Uncertain Significance.

NM_023036.6(DNAI2):c.680A>G (p.Lys227Arg)

Gene: DNAI2 (dynein axonemal intermediate chain 2; plus strand). Cytogenetic location: 17q25.1.
Variant type: single nucleotide variant.
Coding change: c.680A>G on transcript NM_023036.6 (MANE Select); coding-DNA position 680, A replaced by G.
Protein change: p.Lys227Arg; replaces lysine 227 with arginine.
Molecular consequence: missense variant. On other transcripts: non-coding transcript variant (1).
Genome position (GRCh38, 1-based): chr17:74,291,089, A>G. VCF-style: chr17-74291089-A-G. GRCh37 (hg19) VCF-style: chr17-72287228-A-G.
Other names: c.680A>G, p.Lys227Arg (NM_001172810.3, NM_001353167.2); short protein forms K227R.
Identifiers: ClinVar variation 2174432 (VCV002174432.2), dbSNP rs759166271, ClinGen allele CA8745446.